The following is an entry in ClinVar:

NM_013266.4(CTNNA3):c.2551A>C (p.Lys851Gln)

Gene: CTNNA3 (catenin alpha 3; minus strand). Cytogenetic location: 10q21.3.
Variant type: single nucleotide variant.
Coding change: c.2551A>C on transcript NM_013266.4 (MANE Select); coding-DNA position 2551, A replaced by C.
Protein change: p.Lys851Gln; replaces lysine 851 with glutamine.
Molecular consequence: missense variant.
Genome position (GRCh38, 1-based): chr10:65,920,467, T>G on the plus strand (A>C on the coding strand, the complement: CTNNA3 is on the minus strand). VCF-style: chr10-65920467-T-G. GRCh37 (hg19) VCF-style: chr10-67680225-T-G.
Other names: c.2551A>C, p.Lys851Gln (NM_001127384.3); short protein forms K851Q.
Identifiers: ClinVar variation 2626581 (VCV002626581.2), dbSNP rs2492367205, ClinGen allele CA377088870.

ClinVar aggregate classification (germline): Uncertain significance (1 of 4 stars; one submission).

Allele frequency attached by ClinVar (database versions not stated): gnomAD exomes below 0.00001.
gnomAD v4.1: 2 of 1,614,180 alleles (0.00012%); highest among the groups gnomAD compares: East Asian, 0.0045%; no homozygotes.

Submission:

Ambry Genetics
Classification: Uncertain significance. Last evaluated: 2023-09-10. Review status: criteria provided, single submitter. Criteria: Ambry Variant Classification Scheme 2023. Collection method: clinical testing. Allele origin: germline.
Comment: The p.K851Q variant (also known as c.2551A>C), located in coding exon 17 of the CTNNA3 gene, results from an A to C substitution at nucleotide position 2551. The lysine at codon 851 is replaced by glutamine, an amino acid with similar properties. This amino acid position is conserved. In addition, this alteration is predicted to be tolerated by in silico analysis. Since supporting evidence is limited at this time, the clinical significance of this alteration remains unclear.